The following is an entry in ClinVar:

ClinVar aggregate classification (germline): Uncertain significance (1 of 4 stars; one submission).

Submission:

GeneDx
Classification: Uncertain significance. Last evaluated: 2026-02-18. Review status: criteria provided, single submitter. Criteria: GeneDx Variant Classification Process June 2021. Collection method: clinical testing. Allele origin: germline.
Comment: Not observed at significant frequency in large population cohorts (gnomAD); In silico analysis supports that this missense variant has a deleterious effect on protein structure/function; Has not been previously published as pathogenic or benign to our knowledge

NM_014159.7(SETD2):c.3986A>C (p.Asp1329Ala)

Gene: SETD2 (SET domain containing 2, histone lysine methyltransferase; minus strand). Cytogenetic location: 3p21.31.
Variant type: single nucleotide variant.
Coding change: c.3986A>C on transcript NM_014159.7 (MANE Select); coding-DNA position 3986, A replaced by C.
Protein change: p.Asp1329Ala; replaces aspartic acid 1329 with alanine.
Molecular consequence: missense variant. On other transcripts: non-coding transcript variant (1).
Genome position (GRCh38, 1-based): chr3:47,120,650, T>G on the plus strand (A>C on the coding strand, the complement: SETD2 is on the minus strand). VCF-style: chr3-47120650-T-G. GRCh37 (hg19) VCF-style: chr3-47162140-T-G.
Other names: c.3854A>C, p.Asp1285Ala (NM_001349370.3); short protein forms D1285A, D1329A.
Identifiers: ClinVar variation 5009718 (VCV005009718.1).
Genomic context (GRCh38, chr3:47,120,650, plus strand): 5'-AAATGGGATCCATCCTGTTGATCCCAATTCTCCTCTTCTTCACGATCATCTGTTAGGGAA[T>G]CTGGTACTTGTCCTTGAGTTCGATCATACACAACCCCAGTTCCAGGAGGTCTACCTGATC-3'
Protein context (NP_054878.5, residues 1319-1339): VYDRTQGQVP[Asp1329Ala]SLTDDREEEE